The following is an entry in ClinVar:

NM_201384.3(PLEC):c.3793G>A (p.Val1265Ile)

Gene: PLEC (plectin; minus strand). Cytogenetic location: 8q24.3.
Variant type: single nucleotide variant.
Coding change: c.3793G>A on transcript NM_201384.3 (MANE Select); coding-DNA position 3793, G replaced by A.
Protein change: p.Val1265Ile; replaces valine 1265 with isoleucine.
Molecular consequence: missense variant.
Genome position (GRCh38, 1-based): chr8:143,927,299, C>T on the plus strand (G>A on the coding strand, the complement: PLEC is on the minus strand). VCF-style: chr8-143927299-C-T. GRCh37 (hg19) VCF-style: chr8-145001467-C-T.
Other names: c.3874G>A, p.Val1292Ile (NM_000445.5); c.3751G>A, p.Val1251Ile (NM_201378.4); c.3727G>A, p.Val1243Ile (NM_201379.3); c.4204G>A, p.Val1402Ile (NM_201380.4); c.3697G>A, p.Val1233Ile (NM_201381.3); c.3793G>A, p.Val1265Ile (NM_201382.4); c.3805G>A, p.Val1269Ile (NM_201383.3); short protein forms V1233I, V1243I, V1251I, V1265I, V1269I, V1292I, V1402I.
Identifiers: ClinVar variation 1062145 (VCV001062145.5), dbSNP rs1468025304, ClinGen allele CA372564577.

ClinVar aggregate classification (germline): Uncertain significance (1 of 4 stars; one submission).

Conditions:
Epidermolysis bullosa simplex with nail dystrophy (EBS5D). Identifiers: MedGen C4225309, MONDO:0014661, OMIM 616487.
Epidermolysis bullosa simplex 5C, with pyloric atresia (EBS5C). Also called: PLEC-Related Epidermolysis Bullosa with Pyloric Atresia; Epidermolysis bullosa simplex with pyloric atresia; PLEC1-Related Epidermolysis Bullosa with Pyloric Atresia. Identifiers: Orphanet 158684, MedGen C2677349, MONDO:0012807, OMIM 612138.
Epidermolysis bullosa simplex 5B, with muscular dystrophy (EBS5B). Also called: Epidermolysis bullosa simplex with muscular dystrophy; EPIDERMOLYSIS BULLOSA SIMPLEX AND LIMB-GIRDLE MUSCULAR DYSTROPHY. Identifiers: Orphanet 257, MedGen C2931072, MONDO:0009181, OMIM 226670.
Epidermolysis bullosa simplex, Ogna type (EBS5A). Also called: Pidermolysis bullosa simplex 5A, Ogna type; EPIDERMOLYSIS BULLOSA SIMPLEX 5A, OGNA TYPE. Identifiers: Orphanet 79401, MedGen C0432317, MONDO:0007555, OMIM 131950.
Autosomal recessive limb-girdle muscular dystrophy type 2Q (LGMDR17). Also called: MUSCULAR DYSTROPHY, LIMB-GIRDLE, AUTOSOMAL RECESSIVE 17. Identifiers: Orphanet 254361, MedGen C3150989, MONDO:0013390, OMIM 613723.

Allele frequency attached by ClinVar (database versions not stated): gnomAD exomes below 0.00001; gnomAD 0.00001.
gnomAD v4.1: 6 of 1,613,206 alleles (0.00037%); highest among the groups gnomAD compares: Non-Finnish European, 0.00051%; no homozygotes.

Submission:

Labcorp Genetics (formerly Invitae), Labcorp
Classification: Uncertain significance for Autosomal recessive limb-girdle muscular dystrophy type 2Q; Epidermolysis bullosa simplex, Ogna type; Epidermolysis bullosa simplex with nail dystrophy; Epidermolysis bullosa simplex 5C, with pyloric atresia; Epidermolysis bullosa simplex 5B, with muscular dystrophy. Last evaluated: 2022-11-28. Review status: criteria provided, single submitter. Criteria: Invitae Variant Classification Sherloc (09022015). Collection method: clinical testing. Allele origin: germline.
Comment: In summary, the available evidence is currently insufficient to determine the role of this variant in disease. Therefore, it has been classified as a Variant of Uncertain Significance. Advanced modeling of protein sequence and biophysical properties (such as structural, functional, and spatial information, amino acid conservation, physicochemical variation, residue mobility, and thermodynamic stability) performed at Invitae indicates that this missense variant is not expected to disrupt PLEC protein function. ClinVar contains an entry for this variant (Variation ID: 1062145). This variant has not been reported in the literature in individuals affected with PLEC-related conditions. This variant is not present in population databases (gnomAD no frequency). This sequence change replaces valine, which is neutral and non-polar, with isoleucine, which is neutral and non-polar, at codon 1292 of the PLEC protein (p.Val1292Ile).